The following is an entry in ClinVar:

NM_005866.4(SIGMAR1):c.545T>C (p.Leu182Pro)

Gene: SIGMAR1 (sigma receptor chaperone 1; minus strand). Cytogenetic location: 9p13.3.
Variant type: single nucleotide variant.
Coding change: c.545T>C on transcript NM_005866.4 (MANE Select); coding-DNA position 545, T replaced by C.
Protein change: p.Leu182Pro; replaces leucine 182 with proline.
Molecular consequence: missense variant. On other transcripts: 3 prime UTR variant (2), non-coding transcript variant (1), intron variant (1).
Genome position (GRCh38, 1-based): chr9:34,635,759, A>G on the plus strand (T>C on the coding strand, the complement: SIGMAR1 is on the minus strand). VCF-style: chr9-34635759-A-G. GRCh37 (hg19) VCF-style: chr9-34635756-A-G.
Other names: c.245T>C, p.Leu82Pro (NM_001282206.2); c.485T>C, p.Leu162Pro (NM_001282207.2); c.*88T>C (NM_001282208.2); c.*72T>C (NM_001282209.2); c.452T>C, p.Leu151Pro (NM_147157.3); c.446-119T>C (NM_001282205.2); short protein forms L182P, L151P, L82P, L162P.
Identifiers: ClinVar variation 448379 (VCV000448379.8), dbSNP rs781091660, ClinGen allele CA5035840.

ClinVar aggregate classification (germline): Uncertain significance. Review status: criteria provided, multiple submitters, no conflicts (2 of 4 stars). 2 submissions from 2 submitters: Uncertain significance (2). Last evaluated 2021-08-13.

Conditions:
Autosomal recessive distal spinal muscular atrophy 2. Also called: NEURONOPATHY, DISTAL HEREDITARY MOTOR, JERASH TYPE; NEUROPATHY, DISTAL HEREDITARY MOTOR, JERASH TYPE; NEUROPATHY, DISTAL HEREDITARY MOTOR, AUTOSOMAL RECESSIVE 2; SPINAL MUSCULAR ATROPHY, JERASH TYPE; Hereditary motor neuropathy, Jerash type; Motor neuropathy, distal, Jerash type. Identifiers: Orphanet 139552, MedGen C1854023, MONDO:0011585, OMIM 605726.
Amyotrophic lateral sclerosis type 16. Also called: AMYOTROPHIC LATERAL SCLEROSIS 16, JUVENILE. Identifiers: Orphanet 300605, MedGen C3280587, MONDO:0013715, OMIM 614373.

Allele frequency attached by ClinVar (database versions not stated): gnomAD 0.00001; gnomAD exomes 0.00001; ExAC 0.00001; TOPMed 0.00002.
gnomAD v4.1: 12 of 1,614,138 alleles (0.00074%); highest among the groups gnomAD compares: Non-Finnish European, 0.001%; no homozygotes.

Submissions (2):

Labcorp Genetics (formerly Invitae), Labcorp
Classification: Uncertain significance for Autosomal recessive distal spinal muscular atrophy 2; Amyotrophic lateral sclerosis type 16. Last evaluated: 2021-08-13. Review status: criteria provided, single submitter. Criteria: Invitae Variant Classification Sherloc (09022015). Collection method: clinical testing. Allele origin: germline.
Comment: This sequence change replaces leucine with proline at codon 182 of the SIGMAR1 protein (p.Leu182Pro). The leucine residue is highly conserved and there is a moderate physicochemical difference between leucine and proline. This variant is present in population databases (rs781091660, ExAC 0.002%). This missense change has been observed in individual(s) with clinical features of SIGMAR1-related conditions (Invitae). ClinVar contains an entry for this variant (Variation ID: 448379). Algorithms developed to predict the effect of missense changes on protein structure and function are either unavailable or do not agree on the potential impact of this missense change (SIFT: "Deleterious"; PolyPhen-2: "Probably Damaging"; Align-GVGD: "Class C15"). In summary, the available evidence is currently insufficient to determine the role of this variant in disease. Therefore, it has been classified as a Variant of Uncertain Significance.

Athena Diagnostics
Classification: Uncertain significance. Last evaluated: 2016-12-13. Review status: criteria provided, single submitter. Criteria: Athena Diagnostics Criteria. Collection method: clinical testing. Allele origin: germline.